The following is an entry in ClinVar:

ClinVar aggregate classification (germline): Conflicting classifications of pathogenicity. Review status: criteria provided, conflicting classifications (1 of 4 stars). 2 submissions from 2 submitters: Uncertain significance (1); Likely benign (1). Last evaluated 2023-03-23.

Conditions:
Hereditary cancer-predisposing syndrome. Also called: Neoplastic Syndromes, Hereditary; Tumor predisposition; Hereditary Cancer Syndrome; Hereditary neoplastic syndrome. Identifiers: Orphanet 140162, MedGen C0027672, MeSH D009386, MONDO:0015356.

Submissions (2):

University of Washington Department of Laboratory Medicine, University of Washington
Classification: Likely benign for Hereditary cancer-predisposing syndrome. Last evaluated: 2023-03-23. Review status: criteria provided, single submitter. Criteria: Dines et al. (Genet Med. 2020). Collection method: curation. Allele origin: germline.
Comment: Missense variant in a coldspot region where missense variants are very unlikely to be pathogenic (PMID:31911673).

BRCA2 exon 11 coldspot. Reclassification based on statistical prior probability.

Ambry Genetics
Classification: Uncertain significance for Hereditary cancer-predisposing syndrome. Last evaluated: 2021-10-26. Review status: criteria provided, single submitter. Criteria: Ambry Variant Classification Scheme 2023. Collection method: clinical testing. Allele origin: germline.
Comment: The p.N2259I variant (also known as c.6776A>T), located in coding exon 10 of the BRCA2 gene, results from an A to T substitution at nucleotide position 6776. The asparagine at codon 2259 is replaced by isoleucine, an amino acid with dissimilar properties. This amino acid position is not well conserved in available vertebrate species. In addition, the in silico prediction for this alteration is inconclusive. Since supporting evidence is limited at this time, the clinical significance of this alteration remains unclear.

NM_000059.4(BRCA2):c.6776A>T (p.Asn2259Ile)

Gene: BRCA2 (BRCA2 DNA repair associated; plus strand). Cytogenetic location: 13q13.1.
Variant type: single nucleotide variant.
Coding change: c.6776A>T on transcript NM_000059.4 (MANE Select); coding-DNA position 6776, A replaced by T.
Protein change: p.Asn2259Ile; replaces asparagine 2259 with isoleucine.
Molecular consequence: missense variant.
Genome position (GRCh38, 1-based): chr13:32,341,131, A>T. VCF-style: chr13-32341131-A-T. GRCh37 (hg19) VCF-style: chr13-32915268-A-T.
Other names: c.6776A>T, p.Asn2259Ile (NM_001406719.1, NM_001406720.1); short protein forms N2259I.
Identifiers: ClinVar variation 1755368 (VCV001755368.4), dbSNP rs2137530596, ClinGen allele CA387791245.